The following is an entry in ClinVar:

ClinVar aggregate classification (germline): Likely pathogenic (1 of 4 stars; one submission).

Conditions:
Joubert syndrome 14 (JBTS14). Identifiers: MedGen C3280766, MONDO:0013745, OMIM 614424.

gnomAD v4.1: 1 of 1,613,688 alleles (0.000062%); highest among the groups gnomAD compares: East Asian, 0.0022%; no homozygotes.

Submission:

Labcorp Genetics (formerly Invitae), Labcorp
Classification: Likely pathogenic for Joubert syndrome 14. Last evaluated: 2022-08-28. Review status: criteria provided, single submitter. Criteria: Invitae Variant Classification Sherloc (09022015). Collection method: clinical testing. Allele origin: germline.
Comment: In summary, the currently available evidence indicates that the variant is pathogenic, but additional data are needed to prove that conclusively. Therefore, this variant has been classified as Likely Pathogenic. Algorithms developed to predict the effect of sequence changes on RNA splicing suggest that this variant may disrupt the consensus splice site. This variant has not been reported in the literature in individuals affected with TMEM237-related conditions. This variant is not present in population databases (gnomAD no frequency). This sequence change affects an acceptor splice site in intron 6 of the TMEM237 gene. It is expected to disrupt RNA splicing. Variants that disrupt the donor or acceptor splice site typically lead to a loss of protein function (PMID: 16199547), and loss-of-function variants in TMEM237 are known to be pathogenic (PMID: 22152675).

Literature cited by the submitters: PubMed 16199547; PubMed 22152675.

NM_001044385.3(TMEM237):c.396-2A>G

Gene: TMEM237 (transmembrane protein 237; minus strand). Cytogenetic location: 2q33.1.
Variant type: single nucleotide variant.
Coding change: c.396-2A>G on transcript NM_001044385.3 (MANE Select); the canonical splice acceptor site of the intron before coding-DNA position 396, A replaced by G.
Molecular consequence: splice acceptor variant.
Genome position (GRCh38, 1-based): chr2:201,632,210, T>C on the plus strand (A>G on the coding strand, the complement: TMEM237 is on the minus strand). VCF-style: chr2-201632210-T-C. GRCh37 (hg19) VCF-style: chr2-202496933-T-C.
Other names: c.372-2A>G (NM_152388.4).
Identifiers: ClinVar variation 2021280 (VCV002021280.4), dbSNP rs2105900297, ClinGen allele CA350313565.